The following is an entry in ClinVar:

ClinVar aggregate classification (germline): Uncertain significance (1 of 4 stars; one submission).

Conditions:
Nephrolithiasis/nephrocalcinosis. Identifiers: MedGen CN580796.

Submission:

Ambry Genetics
Classification: Uncertain significance for Nephrolithiasis/nephrocalcinosis. Last evaluated: 2024-05-10. Review status: criteria provided, single submitter. Criteria: Ambry Variant Classification Scheme 2023. Collection method: clinical testing. Allele origin: germline.
Comment: The p.S387C variant (also known as c.1159A>T), located in coding exon 3 of the CASR gene, results from an A to T substitution at nucleotide position 1159. The serine at codon 387 is replaced by cysteine, an amino acid with dissimilar properties. This amino acid position is not well conserved in available vertebrate species. In addition, the in silico prediction for this alteration is inconclusive. Based on the available evidence, the clinical significance of this variant remains unclear.

NM_000388.4(CASR):c.1159A>T (p.Ser387Cys)

Gene: CASR (calcium sensing receptor; plus strand). Cytogenetic location: 3q21.1.
Variant type: single nucleotide variant.
Coding change: c.1159A>T on transcript NM_000388.4 (MANE Select); coding-DNA position 1159, A replaced by T.
Protein change: p.Ser387Cys; replaces serine 387 with cysteine.
Molecular consequence: missense variant.
Genome position (GRCh38, 1-based): chr3:122,262,194, A>T. VCF-style: chr3-122262194-A-T. GRCh37 (hg19) VCF-style: chr3-121981041-A-T.
Other names: c.1159A>T, p.Ser387Cys (NM_001178065.2); short protein forms S387C.
Identifiers: ClinVar variation 3263494 (VCV003263494.1).